The following is an entry in ClinVar:

ClinVar aggregate classification (germline): Uncertain significance (1 of 4 stars; one submission).

Conditions:
Cardiovascular phenotype. Identifiers: MedGen CN230736.

Submission:

Ambry Genetics
Classification: Uncertain significance for Cardiovascular phenotype. Last evaluated: 2023-09-26. Review status: criteria provided, single submitter. Criteria: Ambry Variant Classification Scheme 2023. Collection method: clinical testing. Allele origin: germline.
Comment: The p.E261K variant (also known as c.781G>A), located in coding exon 11 of the TAZ gene, results from a G to A substitution at nucleotide position 781. The glutamic acid at codon 261 is replaced by lysine, an amino acid with similar properties. This amino acid position is highly conserved in available vertebrate species. In addition, this alteration is predicted to be deleterious by in silico analysis. Since supporting evidence is limited at this time, the clinical significance of this alteration remains unclear.

NM_000116.5(TAFAZZIN):c.781G>A (p.Glu261Lys)

Gene: TAFAZZIN (tafazzin, phospholipid-lysophospholipid transacylase; plus strand). Cytogenetic location: Xq28.
Variant type: single nucleotide variant.
Coding change: c.781G>A on transcript NM_000116.5 (MANE Select); coding-DNA position 781, G replaced by A.
Protein change: p.Glu261Lys; replaces glutamic acid 261 with lysine.
Molecular consequence: missense variant. On other transcripts: non-coding transcript variant (1).
Genome position (GRCh38, 1-based): chrX:154,420,906, G>A. VCF-style: chrX-154420906-G-A. GRCh37 (hg19) VCF-style: chrX-153649245-G-A.
Other names: c.793G>A, p.Glu265Lys (NM_001303465.2); c.745G>A, p.Glu249Lys (NM_001410698.1); c.691G>A, p.Glu231Lys (NM_181311.4); c.739G>A, p.Glu247Lys (NM_181312.4); c.649G>A, p.Glu217Lys (NM_181313.4); short protein forms E217K, E231K, E247K, E249K, E261K, E265K.
Identifiers: ClinVar variation 3230338 (VCV003230338.1), dbSNP rs2522998835, ClinGen allele CA415185578.